The following is an entry in ClinVar:

NM_015559.3(SETBP1):c.1910C>A (p.Pro637Gln)

Gene: SETBP1 (SET binding protein 1; plus strand). Cytogenetic location: 18q12.3.
Variant type: single nucleotide variant.
Coding change: c.1910C>A on transcript NM_015559.3 (MANE Select); coding-DNA position 1910, C replaced by A.
Protein change: p.Pro637Gln; replaces proline 637 with glutamine.
Molecular consequence: missense variant.
Genome position (GRCh38, 1-based): chr18:44,951,250, C>A. VCF-style: chr18-44951250-C-A. GRCh37 (hg19) VCF-style: chr18-42531215-C-A.
Other names: c.1910C>A, p.Pro637Gln (NM_001379141.1, NM_001379142.1); short protein forms P637Q.
Identifiers: ClinVar variation 1033369 (VCV001033369.9), dbSNP rs1011541536, ClinGen allele CA299698069.
Genomic context (GRCh38, chr18:44,951,250, plus strand): 5'-TTCCTGGCACTAAGAAAAGAAAGCGACGACGCAATTTAGCGAAGTTGGCCCAGCTAGTGC[C>A]GGGAGAGGACAAACCCATGAGCGAGATGAAATTTCACAAGAAAGTTGGAAAGCTCGGCGT-3'
Protein context (NP_056374.2, residues 627-647): RNLAKLAQLV[Pro637Gln]GEDKPMSEMK

ClinVar aggregate classification (germline): Conflicting classifications of pathogenicity. Review status: criteria provided, conflicting classifications (1 of 4 stars). 2 submissions from 2 submitters: Uncertain significance (1); Likely benign (1). Last evaluated 2025-09-06.

Conditions:
Intellectual developmental disorder, autosomal dominant 29. Also called: SETBP1 Haploinsufficiency Disorder; Intellectual disability, autosomal dominant 29. Identifiers: Orphanet 436151, MedGen C4015141, MONDO:0014482, OMIM 616078.

gnomAD v4.1: 2 of 1,613,740 alleles (0.00012%); highest among the groups gnomAD compares: Admixed American, 0.0017%; no homozygotes.

Submissions (2):

Labcorp Genetics (formerly Invitae), Labcorp
Classification: Likely benign. Last evaluated: 2025-09-06. Review status: criteria provided, single submitter. Criteria: Invitae Variant Classification Sherloc (09022015). Collection method: clinical testing. Allele origin: germline.

Baylor Genetics
Classification: Uncertain significance for Intellectual developmental disorder, autosomal dominant 29. Last evaluated: 2018-09-28. Review status: criteria provided, single submitter. Criteria: ACMG Guidelines, 2015. Collection method: clinical testing. Allele origin: maternal. Affected: yes.
Comment: This variant was determined to be of uncertain significance according to ACMG Guidelines, 2015 [PMID:25741868].